The following is an entry in ClinVar:

ClinVar aggregate classification (germline): Uncertain significance (1 of 4 stars; one submission).

Conditions:
FG syndrome (FGS). Identifiers: MedGen C0220769, MONDO:0002010.

Submission:

Labcorp Genetics (formerly Invitae), Labcorp
Classification: Uncertain significance for FG syndrome. Last evaluated: 2025-06-01. Review status: criteria provided, single submitter. Criteria: Invitae Variant Classification Sherloc (09022015). Collection method: clinical testing. Allele origin: germline.
Comment: This variant, c.6279_6302dup, results in the insertion of 8 amino acid(s) of the MED12 protein (p.Gln2108_Gln2115dup), but otherwise preserves the integrity of the reading frame. This variant is not present in population databases (gnomAD no frequency). This variant has not been reported in the literature in individuals affected with MED12-related conditions. In summary, the available evidence is currently insufficient to determine the role of this variant in disease. Therefore, it has been classified as a Variant of Uncertain Significance.

NC_000023.11:g.71141241_71141264dup

Gene: MED12 (mediator complex subunit 12; plus strand). Cytogenetic location: Xq13.1.
Variant type: Duplication.
Genome position: GRCh38 VCF-style: chrX-71141227-T-TAGCAGCAGCAGCAACAGCAACAGC. GRCh37 (hg19) VCF-style: chrX-70361077-T-TAGCAGCAGCAGCAACAGCAACAGC.
Identifiers: ClinVar variation 4692876 (VCV004692876.1).
Genomic context (GRCh38, chrX:71,141,227, plus strand): 5'-TTTAGTTCTGAGGCTTAGCTTCCTCCCTCTGCTCCTTCTGAAGTATCTTTTGTGTTCTTA[T>TAGCAGCAGCAGCAACAGCAACAGC]AGCAGCAGCAGCAACAGCAACAGCAGCAGCAGCAGCAGCAGCAACAGCAACAGCAGCAGC-3'